The following is an entry in ClinVar:

NM_018896.5(CACNA1G):c.6525C>A (p.Thr2175=)

Gene: CACNA1G (calcium voltage-gated channel subunit alpha1 G; plus strand). Cytogenetic location: 17q21.33.
Variant type: single nucleotide variant.
Coding change: c.6525C>A on transcript NM_018896.5 (MANE Select); coding-DNA position 6525, C replaced by A.
Protein change: p.Thr2175=; no amino-acid change (threonine 2175 retained).
Molecular consequence: synonymous variant. On other transcripts: non-coding transcript variant (5), intron variant (3).
Genome position (GRCh38, 1-based): chr17:50,626,142, C>A. VCF-style: chr17-50626142-C-A. GRCh37 (hg19) VCF-style: chr17-48703503-C-A.
Other names: c.6336C>A, p.Thr2112= (NM_001256324.2); c.6267C>A, p.Thr2089= (NM_001256325.2); c.6255C>A, p.Thr2085= (NM_001256326.2); c.6225C>A, p.Thr2075= (NM_001256327.2); c.6171C>A, p.Thr2057= (NM_001256328.2); c.6144C>A, p.Thr2048= (NM_001256329.2, NM_198387.3); c.6111C>A, p.Thr2037= (NM_001256330.2); c.6090C>A, p.Thr2030= (NM_001256331.2); and 18 more.
Identifiers: ClinVar variation 3233689 (VCV003233689.16), dbSNP rs984837241, ClinGen allele CA291584827.

ClinVar aggregate classification (germline): Likely benign. Review status: criteria provided, multiple submitters, no conflicts (2 of 4 stars). 2 submissions from 2 submitters: Likely benign (2). Last evaluated 2024-09-01.

Allele frequency attached by ClinVar (database versions not stated): gnomAD 0.00001; TOPMed 0.00002.
gnomAD v4.1: 6 of 1,613,676 alleles (0.00037%); highest among the groups gnomAD compares: Non-Finnish European, 0.00042%; no homozygotes.

Submissions (2):

CeGaT Center for Human Genetics Tuebingen
Classification: Likely benign. Last evaluated: 2024-09-01. Review status: criteria provided, single submitter. Criteria: CeGaT Center For Human Genetics Tuebingen Variant Classification Criteria Version 2. Collection method: clinical testing. Allele origin: germline. Affected: yes. Observed: 1 variant allele.
Comment: CACNA1G: BP4, BP7

Women's Health and Genetics/Laboratory Corporation of America, LabCorp
Classification: Likely benign. Last evaluated: 2024-03-01. Review status: criteria provided, single submitter. Criteria: LabCorp Variant Classification Summary - May 2015. Collection method: clinical testing. Allele origin: germline.